The following is an entry in ClinVar:

NM_001013838.3(CARMIL2):c.2575T>G (p.Phe859Val)

Gene: CARMIL2 (capping protein regulator and myosin 1 linker 2; plus strand). Cytogenetic location: 16q22.1.
Variant type: single nucleotide variant.
Coding change: c.2575T>G on transcript NM_001013838.3 (MANE Select); coding-DNA position 2575, T replaced by G.
Protein change: p.Phe859Val; replaces phenylalanine 859 with valine.
Molecular consequence: missense variant.
Genome position (GRCh38, 1-based): chr16:67,651,832, T>G. VCF-style: chr16-67651832-T-G. GRCh37 (hg19) VCF-style: chr16-67685735-T-G.
Other names: c.2467T>G, p.Phe823Val (NM_001317026.3); short protein forms F859V, F823V.
Identifiers: ClinVar variation 1963143 (VCV001963143.4), dbSNP rs2543563653, ClinGen allele CA396341518.

ClinVar aggregate classification (germline): Uncertain significance (1 of 4 stars; one submission).

Submission:

Labcorp Genetics (formerly Invitae), Labcorp
Classification: Uncertain significance. Last evaluated: 2024-11-04. Review status: criteria provided, single submitter. Criteria: Invitae Variant Classification Sherloc (09022015). Collection method: clinical testing. Allele origin: germline.
Comment: This sequence change replaces phenylalanine, which is neutral and non-polar, with valine, which is neutral and non-polar, at codon 859 of the CARMIL2 protein (p.Phe859Val). This variant is not present in population databases (gnomAD no frequency). This variant has not been reported in the literature in individuals affected with CARMIL2-related conditions. ClinVar contains an entry for this variant (Variation ID: 1963143). Invitae Evidence Modeling of protein sequence and biophysical properties (such as structural, functional, and spatial information, amino acid conservation, physicochemical variation, residue mobility, and thermodynamic stability) indicates that this missense variant is not expected to disrupt CARMIL2 protein function with a negative predictive value of 80%. In summary, the available evidence is currently insufficient to determine the role of this variant in disease. Therefore, it has been classified as a Variant of Uncertain Significance.